The following is an entry in ClinVar:

NM_001008216.2(GALE):c.110A>G (p.Asn37Ser)

Gene: GALE (UDP-galactose-4-epimerase; minus strand). Cytogenetic location: 1p36.11.
Variant type: single nucleotide variant.
Coding change: c.110A>G on transcript NM_001008216.2 (MANE Select); coding-DNA position 110, A replaced by G.
Protein change: p.Asn37Ser; replaces asparagine 37 with serine.
Molecular consequence: missense variant.
Genome position (GRCh38, 1-based): chr1:23,798,898, T>C on the plus strand (A>G on the coding strand, the complement: GALE is on the minus strand). VCF-style: chr1-23798898-T-C. GRCh37 (hg19) VCF-style: chr1-24125388-T-C.
Other names: c.110A>G, p.Asn37Ser (NM_000403.4, NM_001127621.2); short protein forms N37S.
Identifiers: ClinVar variation 1714000 (VCV001714000.6), dbSNP rs2521324589, ClinGen allele CA339015558.
Genomic context (GRCh38, chr1:23,798,898, plus strand): 5'-TTGCTTCTGCCATCCCCTCAAGTAGCCCCAGCCCCACTGCCCCGCTCACCACGGAAGGCA[T>C]TATGGAAGTTATCGATGACCACAGGCAAGTAGCCAGCCTCCAGCAGCTCCAGCACCGTGT-3'
Protein context (NP_001008217.1, residues 27-47): YLPVVIDNFH[Asn37Ser]AFRGGGSLPE

ClinVar aggregate classification (germline): Uncertain significance (1 of 4 stars; one submission).

Conditions:
UDPglucose-4-epimerase deficiency. Also called: UDPglucose 4-Epimerase Deficiency Disease; Epimerase Deficiency Galactosemia; UDP-GALACTOSE-4-EPIMERASE DEFICIENCY; Galactose epimerase deficiency; GALACTOSEMIA III; GALE DEFICIENCY. Identifiers: Orphanet 352, Orphanet 79238, MedGen C0751161, MONDO:0009257, OMIM 230350.

Submission:

Labcorp Genetics (formerly Invitae), Labcorp
Classification: Uncertain significance for UDPglucose-4-epimerase deficiency. Last evaluated: 2022-09-28. Review status: criteria provided, single submitter. Criteria: Invitae Variant Classification Sherloc (09022015). Collection method: clinical testing. Allele origin: germline.
Comment: Advanced modeling of protein sequence and biophysical properties (such as structural, functional, and spatial information, amino acid conservation, physicochemical variation, residue mobility, and thermodynamic stability) performed at Invitae indicates that this missense variant is not expected to disrupt GALE protein function. In summary, the available evidence is currently insufficient to determine the role of this variant in disease. Therefore, it has been classified as a Variant of Uncertain Significance. This missense change has been observed in individual(s) with a positive newborn screening result for GALE-related disease (Invitae). This variant is not present in population databases (gnomAD no frequency). This sequence change replaces asparagine, which is neutral and polar, with serine, which is neutral and polar, at codon 37 of the GALE protein (p.Asn37Ser).